The following is an entry in ClinVar:

ClinVar aggregate classification (germline): Conflicting classifications of pathogenicity. Review status: criteria provided, conflicting classifications (1 of 4 stars). 2 submissions from 2 submitters: Uncertain significance (1); Likely benign (1). Last evaluated 2023-03-23.

Conditions:
Hereditary cancer-predisposing syndrome. Also called: Neoplastic Syndromes, Hereditary; Tumor predisposition; Hereditary Cancer Syndrome; Hereditary neoplastic syndrome. Identifiers: Orphanet 140162, MedGen C0027672, MeSH D009386, MONDO:0015356.

Submissions (2):

University of Washington Department of Laboratory Medicine, University of Washington
Classification: Likely benign for Hereditary cancer-predisposing syndrome. Last evaluated: 2023-03-23. Review status: criteria provided, single submitter. Criteria: Dines et al. (Genet Med. 2020). Collection method: curation. Allele origin: germline.
Comment: Missense variant in a coldspot region where missense variants are very unlikely to be pathogenic (PMID:31911673).

BRCA2 exon 11 coldspot. Reclassification based on statistical prior probability.

Ambry Genetics
Classification: Uncertain significance for Hereditary cancer-predisposing syndrome. Last evaluated: 2015-06-24. Review status: criteria provided, single submitter. Criteria: Ambry Variant Classification Scheme 2023. Collection method: clinical testing. Allele origin: germline.
Comment: The p.I1000M variant (also known as c.3000T>G and 3228T>G), located in coding exon 10 of the BRCA2 gene, results from a T to G substitution at nucleotide position 3000. The isoleucine at codon 1000 is replaced by methionine, an amino acid with highly similar properties. This variant was not reported in population based cohorts in the following databases: Database of Single Nucleotide Polymorphisms (dbSNP), NHLBI Exome Sequencing Project (ESP), and 1000 Genomes Project. In the ESP, this variant was not observed in 6497 samples (12994 alleles) with coverage of 6497 at this position. To date, this alteration has been detected with an allele frequency of approximately 0.001% (greater than 150000 alleles tested) in our clinical cohort. This amino acid position is poorly conserved in available vertebrate species. In addition, this alteration is predicted to be tolerated by in silico analysis. Since supporting evidence is limited at this time, the clinical significance of p.I1000M remains unclear.

NM_000059.4(BRCA2):c.3000T>G (p.Ile1000Met)

Gene: BRCA2 (BRCA2 DNA repair associated; plus strand). Cytogenetic location: 13q13.1.
Variant type: single nucleotide variant.
Coding change: c.3000T>G on transcript NM_000059.4 (MANE Select); coding-DNA position 3000, T replaced by G.
Protein change: p.Ile1000Met; replaces isoleucine 1000 with methionine.
Molecular consequence: missense variant.
Genome position (GRCh38, 1-based): chr13:32,337,355, T>G. VCF-style: chr13-32337355-T-G. GRCh37 (hg19) VCF-style: chr13-32911492-T-G.
Other names: short protein forms I1000M.
Identifiers: ClinVar variation 232421 (VCV000232421.7), dbSNP rs587780649, ClinGen allele CA10579561.